The following is an entry in ClinVar:

ClinVar aggregate classification (germline): Uncertain significance. Review status: criteria provided, multiple submitters, no conflicts (2 of 4 stars). 2 submissions from 2 submitters: Uncertain significance (2). Last evaluated 2025-08-02.

Allele frequency attached by ClinVar (database versions not stated): 1000 Genomes Project 30x 0.00016; 1000 Genomes Project 0.00020; ESP Exome Variant Server 0.00024; gnomAD exomes 0.00001; ExAC 0.00004; gnomAD 0.00013; TOPMed 0.00015.
gnomAD v4.1: 34 of 1,614,120 alleles (0.0021%); highest among the groups gnomAD compares: African/African-American, 0.027%; no homozygotes.

Submissions (2):

Ambry Genetics
Classification: Uncertain significance. Last evaluated: 2025-08-02. Review status: criteria provided, single submitter. Criteria: Ambry Variant Classification Scheme 2023. Collection method: clinical testing. Allele origin: germline.

Mayo Clinic Laboratories, Mayo Clinic
Classification: Uncertain significance. Last evaluated: 2024-09-13. Review status: criteria provided, single submitter. Criteria: ACMG Guidelines, 2015. Collection method: clinical testing. Allele origin: germline. Observed: 1 variant allele.
Comment: BP4

NM_014687.4(RUBCN):c.356G>A (p.Arg119His)

Gene: RUBCN (rubicon autophagy regulator; minus strand). Cytogenetic location: 3q29.
Variant type: single nucleotide variant.
Coding change: c.356G>A on transcript NM_014687.4 (MANE Select); coding-DNA position 356, G replaced by A.
Protein change: p.Arg119His; replaces arginine 119 with histidine.
Molecular consequence: missense variant.
Genome position (GRCh38, 1-based): chr3:197,704,649, C>T on the plus strand (G>A on the coding strand, the complement: RUBCN is on the minus strand). VCF-style: chr3-197704649-C-T. GRCh37 (hg19) VCF-style: chr3-197431520-C-T.
Other names: p.Arg59His; c.176G>A, p.Arg59His (NM_001145642.5); c.356G>A, p.Arg119His (NM_001346873.2); c.176G>A (NM_001145642.4); short protein forms R119H, R59H.
Identifiers: ClinVar variation 2509775 (VCV002509775.4), dbSNP rs368245479, ClinGen allele CA2787241.